The following is an entry in ClinVar:

NM_001018115.3(FANCD2):c.2947C>T (p.Pro983Ser)

Genes: FANCD2 (FA complementation group D2; plus strand), LOC107303338 (3p25 FANCD2 Alu-mediated recombination region; plus strand). Cytogenetic location: 3p25.3.
Variant type: single nucleotide variant.
Coding change: c.2947C>T on transcript NM_001018115.3 (MANE Select); coding-DNA position 2947, C replaced by T.
Protein change: p.Pro983Ser; replaces proline 983 with serine.
Molecular consequence: missense variant.
Genome position (GRCh38, 1-based): chr3:10,078,168, C>T. VCF-style: chr3-10078168-C-T. GRCh37 (hg19) VCF-style: chr3-10119852-C-T.
Other names: c.2947C>T, p.Pro983Ser (NM_001319984.2, NM_001374254.1, NM_033084.6); c.2836C>T, p.Pro946Ser (NM_001374253.1); short protein forms P983S, P946S.
Identifiers: ClinVar variation 1936754 (VCV001936754.2), dbSNP rs199898736, ClinGen allele CA351746331.

ClinVar aggregate classification (germline): Uncertain significance (1 of 4 stars; one submission).

Conditions:
Fanconi anemia (FA). Also called: Fanconi's anemia. Identifiers: Orphanet 84, MedGen C0015625, MeSH D005199, MONDO:0019391.

Allele frequency attached by ClinVar (database versions not stated): gnomAD exomes below 0.00001.
gnomAD v4.1: 4 of 1,613,044 alleles (0.00025%); highest among the groups gnomAD compares: East Asian, 0.0022%; no homozygotes.

Submission:

Labcorp Genetics (formerly Invitae), Labcorp
Classification: Uncertain significance for Fanconi anemia. Last evaluated: 2022-06-13. Review status: criteria provided, single submitter. Criteria: Invitae Variant Classification Sherloc (09022015). Collection method: clinical testing. Allele origin: germline.
Comment: This sequence change replaces proline, which is neutral and non-polar, with serine, which is neutral and polar, at codon 983 of the FANCD2 protein (p.Pro983Ser). This variant is present in population databases (no rsID available, gnomAD 0.006%). This variant has not been reported in the literature in individuals affected with FANCD2-related conditions. Algorithms developed to predict the effect of missense changes on protein structure and function output the following: SIFT: "Tolerated"; PolyPhen-2: "Benign"; Align-GVGD: "Class C0". The serine amino acid residue is found in multiple mammalian species, which suggests that this missense change does not adversely affect protein function. In summary, the available evidence is currently insufficient to determine the role of this variant in disease. Therefore, it has been classified as a Variant of Uncertain Significance.